The following is an entry in ClinVar:

ClinVar aggregate classification (germline): Benign/Likely benign. Review status: criteria provided, multiple submitters, no conflicts (2 of 4 stars). 4 submissions from 4 submitters: Benign (1); Likely benign (2). 1 of the submissions does not count toward it. Last evaluated 2026-01-11.

Conditions:
Multiple endocrine neoplasia, type 1 (MEN1). Also called: MEN I; WERMER SYNDROME; Endocrine adenomatosis multiple; MEN 1; MEA I. Identifiers: Orphanet 652, MedGen C0025267, MeSH D018761, MONDO:0007540, OMIM 131100.
MEN1-related disorder. Also called: MEN1-related condition.
Hereditary cancer-predisposing syndrome. Also called: Neoplastic Syndromes, Hereditary; Tumor predisposition; Hereditary neoplastic syndrome; Hereditary Cancer Syndrome. Identifiers: Orphanet 140162, MedGen C0027672, MeSH D009386, MONDO:0015356.

Allele frequency attached by ClinVar (database versions not stated): ExAC 0.00001; gnomAD exomes 0.00001; TOPMed 0.00006; gnomAD 0.00007; ESP Exome Variant Server 0.00008.

Submissions (4):

Labcorp Genetics (formerly Invitae), Labcorp
Classification: Likely benign for Multiple endocrine neoplasia, type 1. Last evaluated: 2026-01-11. Review status: criteria provided, single submitter. Criteria: Invitae Variant Classification Sherloc (09022015). Collection method: clinical testing. Allele origin: germline.

Myriad Genetics, Inc.
Classification: Benign for Multiple endocrine neoplasia, type 1. Last evaluated: 2024-11-05. Review status: criteria provided, single submitter. Criteria: Myriad Autosomal Dominant, Autosomal Recessive and X-Linked Classification Criteria (2023). Collection method: clinical testing. Allele origin: unknown.
Comment: This variant is considered benign. This variant is a silent/synonymous amino acid change and it is not expected to impact splicing.

Ambry Genetics
Classification: Likely benign for Hereditary cancer-predisposing syndrome. Last evaluated: 2019-07-22. Review status: criteria provided, single submitter. Criteria: Ambry Variant Classification Scheme 2023. Collection method: clinical testing. Allele origin: germline.

PreventionGenetics, part of Exact Sciences
Classification: Likely benign for MEN1-related condition. Last evaluated: 2023-03-15. Review status: no assertion criteria provided. Collection method: clinical testing. Allele origin: germline. Not counted in ClinVar's aggregate classification.
Comment: This variant is classified as likely benign based on ACMG/AMP sequence variant interpretation guidelines (Richards et al. 2015 PMID: 25741868, with internal and published modifications).

NM_001370259.2(MEN1):c.1692G>T (p.Leu564=)

Gene: MEN1 (menin 1; minus strand). Cytogenetic location: 11q13.1.
Variant type: single nucleotide variant.
Coding change: c.1692G>T on transcript NM_001370259.2 (MANE Select); coding-DNA position 1692, G replaced by T.
Protein change: p.Leu564=; no amino-acid change (leucine 564 retained).
Molecular consequence: synonymous variant.
Genome position (GRCh38, 1-based): chr11:64,804,475, C>A on the plus strand (G>T on the coding strand, the complement: MEN1 is on the minus strand). VCF-style: chr11-64804475-C-A. GRCh37 (hg19) VCF-style: chr11-64571947-C-A.
Other names: c.1707G>T (NM_000244.3); c.1707G>T, p.Leu569= (NM_000244.4, NM_130800.3, NM_130801.3 and 3 more transcripts); c.1818G>T, p.Leu606= (NM_001370251.2); c.1692G>T, p.Leu564= (NM_001370260.2, NM_001370261.2, NM_130799.3); c.1587G>T, p.Leu529= (NM_001370262.2, NM_001370263.2).
Identifiers: ClinVar variation 527298 (VCV000527298.19), dbSNP rs367581776, ClinGen allele CA060893.
Genomic context (GRCh38, chr11:64,804,475, plus strand): 5'-TTGCGACTGTGCCGTGAGTTGCAGCTTGATGGCGCTCGAGTTGATCTTGGTGGCCACCAG[C>A]AGCTCCTTCATGCCCTTCATCTTCTCACTCTGGAAAGTGAGCACTGGACCCTCCGGCGGT-3'
Protein context (NP_001357188.2, residues 554-574): QSEKMKGMKE[Leu564=]LVATKINSSA